The following is an entry in ClinVar:

ClinVar aggregate classification (germline): Uncertain significance (1 of 4 stars; one submission).

Conditions:
Cardiovascular phenotype. Identifiers: MedGen CN230736.

Submission:

Ambry Genetics
Classification: Uncertain significance for Cardiovascular phenotype. Last evaluated: 2025-05-06. Review status: criteria provided, single submitter. Criteria: Ambry Variant Classification Scheme 2023. Collection method: clinical testing. Allele origin: germline.
Comment: The c.794-5delG intronic variant, located in intron 8 of the TRDN gene, results from a deletion of one nucleotide within intron 8 of the TRDN gene. This nucleotide position is well conserved in available vertebrate species. In silico splice site analysis predicts that this alteration will not have any significant effect on splicing. Based on the available evidence, the clinical significance of this variant remains unclear.

NM_006073.4(TRDN):c.794-5del

Gene: TRDN (triadin; minus strand). Cytogenetic location: 6q22.31.
Variant type: Deletion.
Coding change: c.794-5del on transcript NM_006073.4 (MANE Select); 5 bases into the intron before coding-DNA position 794, one base deleted (G; older notation c.794-5delG).
Molecular consequence: intron variant.
Genome position (GRCh38, 1-based): chr6:123,497,257, C deleted on the plus strand (G on the coding strand, the reverse complement: TRDN is on the minus strand). VCF-style (leftmost placement, unchanged base first): chr6-123497256-AC-A. GRCh37 (hg19) VCF-style: chr6-123818401-AC-A.
Other names: c.793+6462del (NM_001407315.1, NM_001256020.2); c.794-5del (NM_001251987.2).
Identifiers: ClinVar variation 3973117 (VCV003973117.1).